The following is an entry in ClinVar:

NM_005359.6(SMAD4):c.*5627G>A

Gene: SMAD4 (SMAD family member 4; plus strand). Cytogenetic location: 18q21.2.
Variant type: single nucleotide variant.
Coding change: c.*5627G>A on transcript NM_005359.6 (MANE Select); 5627 bases downstream of the stop codon, G replaced by A.
Molecular consequence: 3 prime UTR variant.
Genome position (GRCh38, 1-based): chr18:51,084,094, G>A. VCF-style: chr18-51084094-G-A. GRCh37 (hg19) VCF-style: chr18-48610464-G-A.
Identifiers: ClinVar variation 327202 (VCV000327202.5), dbSNP rs185010226, ClinGen allele CA10647808.

ClinVar aggregate classification (germline): Benign. Review status: criteria provided, single submitter (1 of 4 stars). 3 submissions from 1 submitter: Benign (3). Last evaluated 2018-01-13.

Conditions:
Myhre syndrome (MYHRS). Also called: LARYNGOTRACHEAL STENOSIS, ARTHROPATHY, PROGNATHISM, AND SHORT STATURE; LAPS SYNDROME. Identifiers: Orphanet 2588, MedGen C0796081, MONDO:0007688, OMIM 139210.
Juvenile polyposis/hereditary hemorrhagic telangiectasia syndrome (JPHT). Also called: JP/HHT SYNDROME; JUVENILE POLYPOSIS WITH HEREDITARY HEMORRHAGIC TELANGIECTASIA; POLYPOSIS, GENERALIZED JUVENILE, WITH PULMONARY ARTERIOVENOUS MALFORMATION; TELANGIECTASIA, HEREDITARY HEMORRHAGIC, WITH JUVENILE POLYPOSIS COLI; Juvenile Polyposis Syndrome / Hereditary Hemorrhagic Telangiectasia (JPS/HHT). Identifiers: Orphanet 2929, MedGen C1832942, MONDO:0008278, OMIM 175050.
Generalized juvenile polyposis/juvenile polyposis coli. Also called: Juvenile polyposis coli. Identifiers: Orphanet 329971, MedGen C1868081, MONDO:0008276.

Allele frequency attached by ClinVar (database versions not stated): gnomAD 0.00055 and 0.00070; TOPMed 0.00094; gnomAD exomes 0.00259; 1000 Genomes Project 30x 0.00281; 1000 Genomes Project 0.00300.
gnomAD v4.1: 299 of 229,710 alleles (0.13%); highest among the groups gnomAD compares: East Asian, 1.4%; 2 homozygotes.

Submissions (3):

Illumina Laboratory Services, Illumina
Classification: Benign for Myhre syndrome. Last evaluated: 2018-01-13. Review status: criteria provided, single submitter. Criteria: ICSL Variant Classification Criteria 13 December 2019. Collection method: clinical testing. Allele origin: germline.
Comment: This variant was observed in the ICSL laboratory as part of a predisposition screen in an ostensibly healthy population. It had not been previously curated by ICSL or reported in the Human Gene Mutation Database (HGMD: prior to June 1st, 2018), and was therefore a candidate for classification through an automated scoring system. Utilizing variant allele frequency, disease prevalence and penetrance estimates, and inheritance mode, an automated score was calculated to assess if this variant is too frequent to cause the disease. Based on the score and internal cut-off values, a variant classified as benign is not then subjected to further curation. The score for this variant resulted in a classification of benign for this disease.

Illumina Laboratory Services, Illumina
Classification: Benign for Juvenile polyposis syndrome. Last evaluated: 2018-01-13. Review status: criteria provided, single submitter. Criteria: ICSL Variant Classification Criteria 13 December 2019. Collection method: clinical testing. Allele origin: germline.
Comment: the same text as in the submission from Illumina Laboratory Services, Illumina above.

Illumina Laboratory Services, Illumina
Classification: Benign for Juvenile polyposis/hereditary hemorrhagic telangiectasia syndrome. Last evaluated: 2018-01-13. Review status: criteria provided, single submitter. Criteria: ICSL Variant Classification Criteria 13 December 2019. Collection method: clinical testing. Allele origin: germline.
Comment: the same text as in the submission from Illumina Laboratory Services, Illumina above.